The following is an entry in ClinVar:

ClinVar aggregate classification (germline): Likely benign (0 of 4 stars; one submission).

Conditions:
KCNMB1-related disorder. Also called: KCNMB1-related condition.

Allele frequency attached by ClinVar (database versions not stated): gnomAD exomes 0.00004; TOPMed 0.00002; ExAC 0.00003; gnomAD 0.00002.
gnomAD v4.1: 58 of 1,614,046 alleles (0.0036%); highest among the groups gnomAD compares: Middle Eastern, 0.033%; no homozygotes.

Submission:

PreventionGenetics, part of Exact Sciences
Classification: Likely benign for KCNMB1-related condition. Last evaluated: 2019-06-26. Review status: no assertion criteria provided. Collection method: clinical testing. Allele origin: germline.
Comment: This variant is classified as likely benign based on ACMG/AMP sequence variant interpretation guidelines (Richards et al. 2015 PMID: 25741868, with internal and published modifications).

NM_004137.4(KCNMB1):c.240C>T (p.Asn80=)

Genes: KCNIP1 (potassium voltage-gated channel interacting protein 1; plus strand), KCNMB1 (potassium calcium-activated channel subfamily M regulatory beta subunit 1; minus strand). Cytogenetic location: 5q35.1.
Variant type: single nucleotide variant.
Coding change: c.240C>T on transcript NM_004137.4 (MANE Select); coding-DNA position 240, C replaced by T.
Protein change: p.Asn80=; no amino-acid change (asparagine 80 retained).
Molecular consequence: synonymous variant. On other transcripts: intron variant (1).
Genome position (GRCh38, 1-based): chr5:170,383,745, G>A on the plus strand (C>T on the coding strand, the complement: KCNMB1 is on the minus strand). VCF-style: chr5-170383745-G-A. GRCh37 (hg19) VCF-style: chr5-169810749-G-A.
Other names: c.88+29781G>A (NM_001034838.3).
Identifiers: ClinVar variation 3043247 (VCV003043247.2), dbSNP rs753087338, ClinGen allele CA3556067.
Genomic context (GRCh38, chr5:170,383,745, plus strand): 5'-GTTCTGGTCCCGAGTGTCCTCCGTGTGGTACAGCACAGCCCACCTGCCGGCAGCTGACAC[G>A]TTGACCCACAGGCATGGGTACTGGGGCACCTTCTTGCCCTTCAGCTCCTCCTGGTCCCTG-3'
Protein context (NP_004128.1, residues 70-90): KVPQYPCLWV[Asn80=]VSAAGRWAVL